The following is an entry in ClinVar:

ClinVar aggregate classification (germline): Uncertain significance (1 of 4 stars; one submission).

Submission:

GeneDx
Classification: Uncertain significance. Last evaluated: 2024-01-29. Review status: criteria provided, single submitter. Criteria: GeneDx Variant Classification Process June 2021. Collection method: clinical testing. Allele origin: germline. Affected: yes.
Comment: Not observed at significant frequency in large population cohorts (gnomAD); In silico analysis supports that this missense variant has a deleterious effect on protein structure/function; Has not been previously published as pathogenic or benign to our knowledge

NM_004366.6(CLCN2):c.1323G>C (p.Met441Ile)

Gene: CLCN2 (chloride voltage-gated channel 2; minus strand). Cytogenetic location: 3q27.1.
Variant type: single nucleotide variant.
Coding change: c.1323G>C on transcript NM_004366.6 (MANE Select); coding-DNA position 1323, G replaced by C.
Protein change: p.Met441Ile; replaces methionine 441 with isoleucine.
Molecular consequence: missense variant.
Genome position (GRCh38, 1-based): chr3:184,355,377, C>G on the plus strand (G>C on the coding strand, the complement: CLCN2 is on the minus strand). VCF-style: chr3-184355377-C-G. GRCh37 (hg19) VCF-style: chr3-184073165-C-G.
Other names: c.1323G>C, p.Met441Ile (NM_001171087.3, NM_001171089.3); c.1191G>C, p.Met397Ile (NM_001171088.3); short protein forms M397I, M441I.
Identifiers: ClinVar variation 3361423 (VCV003361423.1).
Genomic context (GRCh38, chr3:184,355,377, plus strand): 5'-AGGTGCTTAGAAGGGCAAGCTATGTAAAGGTTAGCAGTGTACACGTGAGGAGCCCACCTT[C>G]ATGAGAATGAAGATGACCAGGGTGAGGAAGACGTTGGCACGTGGTGGGTTCCAGGCCTGT-3'
Protein context (NP_004357.3, residues 431-451): VFLTLVIFIL[Met441Ile]KFWMSALATT